The following is an entry in ClinVar:

NM_000222.3(KIT):c.1116-5T>C

Gene: KIT (KIT proto-oncogene, receptor tyrosine kinase; plus strand). Cytogenetic location: 4q12.
Variant type: single nucleotide variant.
Coding change: c.1116-5T>C on transcript NM_000222.3 (MANE Select); 5 bases into the intron before coding-DNA position 1116, T replaced by C.
Molecular consequence: intron variant.
Genome position (GRCh38, 1-based): chr4:54,709,419, T>C. VCF-style: chr4-54709419-T-C. GRCh37 (hg19) VCF-style: chr4-55575585-T-C.
Other names: c.1119-5T>C (NM_001385284.1, NM_001385290.1, NM_001385288.1 and 1 more transcripts); c.1116-5T>C (NM_001385285.1, NM_001093772.2, NM_001385286.1).
Identifiers: ClinVar variation 237234 (VCV000237234.17), dbSNP rs376229086, ClinGen allele CA2923390.
Genomic context (GRCh38, chr4:54,709,419, plus strand): 5'-GAAAAAGACATGCCTTCCAAGGCATGCTATCCACAGGTGATTGACTAGTTGTCTTTTCTT[T>C]GTAGATACGTAAGTGAACTTCATCTAACGAGATTAAAAGGCACCGAAGGAGGCACTTACA-3'

ClinVar aggregate classification (germline): Conflicting classifications of pathogenicity. Review status: criteria provided, conflicting classifications (1 of 4 stars). 3 submissions from 3 submitters: Uncertain significance (1); Likely benign (2). Last evaluated 2026-05-27.

Conditions:
Hereditary cancer-predisposing syndrome. Also called: Neoplastic Syndromes, Hereditary; Hereditary neoplastic syndrome; Hereditary Cancer Syndrome; Tumor predisposition. Identifiers: Orphanet 140162, MedGen C0027672, MeSH D009386, MONDO:0015356.
Gastrointestinal stromal tumor. Also called: Gastrointestinal stromal tumor, somatic; Gastrointestinal stroma tumor. Identifiers: Orphanet 44890, MedGen C0238198, MeSH D046152, MONDO:0011719, OMIM 606764, HP:0100723.

Allele frequency attached by ClinVar (database versions not stated): gnomAD exomes 0.00001; ExAC 0.00003; TOPMed 0.00004; gnomAD 0.00005 and 0.00006; ESP Exome Variant Server 0.00023.
gnomAD v4.1: 17 of 1,579,702 alleles (0.0011%); highest among the groups gnomAD compares: African/African-American, 0.019%; no homozygotes.

Submissions (3):

Myriad Genetics, Inc.
Classification: Likely benign for Gastrointestinal stromal tumor. Last evaluated: 2026-05-27. Review status: criteria provided, single submitter. Criteria: Myriad Autosomal Dominant, Autosomal Recessive and X-Linked Classification Criteria (2023). Collection method: clinical testing. Allele origin: unknown.
Comment: This variant is considered likely benign. This variant is intronic and is not expected to impact mRNA splicing.

Labcorp Genetics (formerly Invitae), Labcorp
Classification: Likely benign for Gastrointestinal stromal tumor. Last evaluated: 2026-01-31. Review status: criteria provided, single submitter. Criteria: Invitae Variant Classification Sherloc (09022015). Collection method: clinical testing. Allele origin: germline.

Ambry Genetics
Classification: Uncertain significance for Hereditary cancer-predisposing syndrome. Last evaluated: 2025-04-02. Review status: criteria provided, single submitter. Criteria: Ambry Variant Classification Scheme 2023. Collection method: clinical testing. Allele origin: germline.
Comment: The c.1116-5T>C intronic variant results from a T to C substitution 5 nucleotides upstream from coding exon 7 in the KIT gene. This nucleotide position is well conserved in available vertebrate species. In silico splice site analysis predicts that this alteration will not have any significant effect on splicing. Based on the available evidence, the clinical significance of this variant remains unclear.